The following is an entry in ClinVar:

NM_000371.4(TTR):c.251T>A (p.Phe84Tyr)

Gene: TTR (transthyretin; plus strand). Cytogenetic location: 18q12.1.
Variant type: single nucleotide variant.
Coding change: c.251T>A on transcript NM_000371.4 (MANE Select); coding-DNA position 251, T replaced by A.
Protein change: p.Phe84Tyr; replaces phenylalanine 84 with tyrosine.
Molecular consequence: missense variant.
Genome position (GRCh38, 1-based): chr18:31,595,170, T>A. VCF-style: chr18-31595170-T-A. GRCh37 (hg19) VCF-style: chr18-29175133-T-A.
Other names: short protein forms F84Y.
Identifiers: ClinVar variation 2014715 (VCV002014715.4), dbSNP rs121918099, ClinGen allele CA402156985.

ClinVar aggregate classification (germline): Likely pathogenic (1 of 4 stars; one submission).

Conditions:
Amyloidosis, hereditary systemic 1 (AMYLD1). Also called: Familial amyloid polyneuropathy; Hereditary Transthyretin Amyloidosis; Transthyretin Amyloidosis; Isolated Cardiac Amyloidosis; Amyloid Cardiomyopathy, Transthyretin-related; Hereditary oculoleptomeningeal amyloid angiopathy. Identifiers: Orphanet 85447, Orphanet 85451, MedGen C2751492, MONDO:0971004, OMIM 105210.

Submission:

Labcorp Genetics (formerly Invitae), Labcorp
Classification: Likely pathogenic for Amyloidosis, hereditary systemic 1. Last evaluated: 2022-07-07. Review status: criteria provided, single submitter. Criteria: Invitae Variant Classification Sherloc (09022015). Collection method: clinical testing. Allele origin: germline.
Comment: This sequence change replaces phenylalanine, which is neutral and non-polar, with tyrosine, which is neutral and polar, at codon 84 of the TTR protein (p.Phe84Tyr). This variant is not present in population databases (gnomAD no frequency). This variant has not been reported in the literature in individuals affected with TTR-related conditions. Advanced modeling of protein sequence and biophysical properties (such as structural, functional, and spatial information, amino acid conservation, physicochemical variation, residue mobility, and thermodynamic stability) performed at Invitae indicates that this missense variant is expected to disrupt TTR protein function. This variant disrupts the p.Phe84 amino acid residue in TTR. Other variant(s) that disrupt this residue have been determined to be pathogenic (PMID: 2046936, 8721565, 10488818, 15820680, 22745357, 23279339). This suggests that this residue is clinically significant, and that variants that disrupt this residue are likely to be disease-causing. In summary, the currently available evidence indicates that the variant is pathogenic, but additional data are needed to prove that conclusively. Therefore, this variant has been classified as Likely Pathogenic.

Literature cited by the submitters: PubMed 2046936; PubMed 8721565; PubMed 10488818; PubMed 15820680; PubMed 22745357; PubMed 23279339.